The following is an entry in ClinVar:

NM_153704.6(TMEM67):c.355A>G (p.Ser119Gly)

Gene: TMEM67 (transmembrane protein 67; plus strand). Cytogenetic location: 8q22.1.
Variant type: single nucleotide variant.
Coding change: c.355A>G on transcript NM_153704.6 (MANE Select); coding-DNA position 355, A replaced by G.
Protein change: p.Ser119Gly; replaces serine 119 with glycine.
Molecular consequence: missense variant. On other transcripts: 5 prime UTR variant (1), non-coding transcript variant (1).
Genome position (GRCh38, 1-based): chr8:93,758,525, A>G. VCF-style: chr8-93758525-A-G. GRCh37 (hg19) VCF-style: chr8-94770753-A-G.
Other names: c.-23A>G (NM_001142301.1); short protein forms S119G.
Identifiers: ClinVar variation 2164435 (VCV002164435.3), dbSNP rs2536765653, ClinGen allele CA371685825.

ClinVar aggregate classification (germline): Uncertain significance (1 of 4 stars; one submission).

Conditions:
Joubert syndrome. Also called: CEREBELLOPARENCHYMAL DISORDER IV; JOUBERT-BOLTSHAUSER SYNDROME; Familial aplasia of the vermis. Identifiers: Orphanet 475, MedGen C5979921, MONDO:0018772.
Meckel-Gruber syndrome. Also called: DYSENCEPHALIA SPLANCHNOCYSTICA; GRUBER SYNDROME; Dysencephalia splachnocystica. Identifiers: Orphanet 564, MedGen C0265215, MONDO:0018921.

Allele frequency attached by ClinVar (database versions not stated): gnomAD exomes below 0.00001.
gnomAD v4.1: 2 of 1,614,046 alleles (0.00012%); highest among the groups gnomAD compares: Non-Finnish European, 0.000085%; no homozygotes.

Submission:

Labcorp Genetics (formerly Invitae), Labcorp
Classification: Uncertain significance for Joubert syndrome; Meckel-Gruber syndrome. Last evaluated: 2022-03-19. Review status: criteria provided, single submitter. Criteria: Invitae Variant Classification Sherloc (09022015). Collection method: clinical testing. Allele origin: germline.
Comment: This sequence change replaces serine, which is neutral and polar, with glycine, which is neutral and non-polar, at codon 119 of the TMEM67 protein (p.Ser119Gly). This variant is not present in population databases (gnomAD no frequency). This variant has not been reported in the literature in individuals affected with TMEM67-related conditions. Advanced modeling of protein sequence and biophysical properties (such as structural, functional, and spatial information, amino acid conservation, physicochemical variation, residue mobility, and thermodynamic stability) performed at Invitae indicates that this missense variant is not expected to disrupt TMEM67 protein function. In summary, the available evidence is currently insufficient to determine the role of this variant in disease. Therefore, it has been classified as a Variant of Uncertain Significance.